The following is an entry in ClinVar:

NM_001029883.3(PCARE):c.2744G>A (p.Cys915Tyr)

Gene: PCARE (photoreceptor cilium actin regulator; minus strand). Cytogenetic location: 2p23.2.
Variant type: single nucleotide variant.
Coding change: c.2744G>A on transcript NM_001029883.3 (MANE Select); coding-DNA position 2744, G replaced by A.
Protein change: p.Cys915Tyr; replaces cysteine 915 with tyrosine.
Molecular consequence: missense variant.
Genome position (GRCh38, 1-based): chr2:29,071,518, C>T on the plus strand (G>A on the coding strand, the complement: PCARE is on the minus strand). VCF-style: chr2-29071518-C-T. GRCh37 (hg19) VCF-style: chr2-29294384-C-T.
Other names: short protein forms C915Y.
Identifiers: ClinVar variation 1052236 (VCV001052236.10), dbSNP rs753644789, ClinGen allele CA1592130.

ClinVar aggregate classification (germline): Uncertain significance (1 of 4 stars; one submission).

Allele frequency attached by ClinVar (database versions not stated): gnomAD exomes 0.00001 and 0.00002; ExAC 0.00003.
gnomAD v4.1: 8 of 1,608,258 alleles (0.0005%); highest among the groups gnomAD compares: East Asian, 0.0022%; no homozygotes.

Submission:

Labcorp Genetics (formerly Invitae), Labcorp
Classification: Uncertain significance. Last evaluated: 2022-03-10. Review status: criteria provided, single submitter. Criteria: Invitae Variant Classification Sherloc (09022015). Collection method: clinical testing. Allele origin: germline.
Comment: This sequence change replaces cysteine, which is neutral and slightly polar, with tyrosine, which is neutral and polar, at codon 915 of the PCARE protein (p.Cys915Tyr). This variant is present in population databases (rs753644789, gnomAD 0.006%). This variant has not been reported in the literature in individuals affected with PCARE-related conditions. ClinVar contains an entry for this variant (Variation ID: 1052236). Algorithms developed to predict the effect of missense changes on protein structure and function are either unavailable or do not agree on the potential impact of this missense change (SIFT: "Deleterious"; PolyPhen-2: "Possibly Damaging"; Align-GVGD: "Class C0"). In summary, the available evidence is currently insufficient to determine the role of this variant in disease. Therefore, it has been classified as a Variant of Uncertain Significance.